The following is an entry in ClinVar:

NM_004568.6(SERPINB6):c.430+3G>A

Gene: SERPINB6 (serpin family B member 6; minus strand). Cytogenetic location: 6p25.2.
Variant type: single nucleotide variant.
Coding change: c.430+3G>A on transcript NM_004568.6 (MANE Select); 3 bases into the intron after coding-DNA position 430, G replaced by A.
Molecular consequence: intron variant.
Genome position (GRCh38, 1-based): chr6:2,954,589, C>T on the plus strand (G>A on the coding strand, the complement: SERPINB6 is on the minus strand). VCF-style: chr6-2954589-C-T. GRCh37 (hg19) VCF-style: chr6-2954823-C-T.
Other names: c.430+3G>A (NM_001297700.2, NM_001271824.2, NM_001297699.2 and 2 more transcripts); c.442+3G>A (NM_001195291.3, NM_001374515.1); c.472+3G>A (NM_001271822.2); c.487+3G>A (NM_001271823.2, NM_001271823.1); c.298+3G>A (NM_001374517.1).
Identifiers: ClinVar variation 165191 (VCV000165191.12), dbSNP rs201080069, ClinGen allele CA177912.

ClinVar aggregate classification (germline): Conflicting classifications of pathogenicity. Review status: criteria provided, conflicting classifications (1 of 4 stars). 6 submissions from 6 submitters: Uncertain significance (1); Likely benign (5). Last evaluated 2024-08-14.

Conditions:
Autosomal recessive nonsyndromic hearing loss 91. Identifiers: Orphanet 90636, MedGen C3150704, MONDO:0013269, OMIM 613453.

Allele frequency attached by ClinVar (database versions not stated): TOPMed 0.00018; gnomAD 0.00021 and 0.00025; ESP Exome Variant Server 0.00031; gnomAD exomes 0.00031 and 0.00045; ExAC 0.00044; 1000 Genomes Project 0.00100; 1000 Genomes Project 30x 0.00125.
gnomAD v4.1: 498 of 1,604,420 alleles (0.031%); highest among the groups gnomAD compares: Middle Eastern, 0.66%; 3 homozygotes.

Submissions (6):

Blueprint Genetics
Classification: Likely benign. Last evaluated: 2024-08-14. Review status: criteria provided, single submitter. Criteria: ACMG Guidelines, 2015. Collection method: clinical testing. Allele origin: germline.

Labcorp Genetics (formerly Invitae), Labcorp
Classification: Uncertain significance. Last evaluated: 2022-09-02. Review status: criteria provided, single submitter. Criteria: Invitae Variant Classification Sherloc (09022015). Collection method: clinical testing. Allele origin: germline.
Comment: This sequence change falls in intron 4 of the SERPINB6 gene. It does not directly change the encoded amino acid sequence of the SERPINB6 protein. It affects a nucleotide within the consensus splice site. This variant is present in population databases (rs201080069, gnomAD 0.2%), and has an allele count higher than expected for a pathogenic variant. This variant has not been reported in the literature in individuals affected with SERPINB6-related conditions. ClinVar contains an entry for this variant (Variation ID: 165191). Variants that disrupt the consensus splice site are a relatively common cause of aberrant splicing (PMID: 17576681, 9536098). Algorithms developed to predict the effect of sequence changes on RNA splicing suggest that this variant may create or strengthen a splice site. In summary, the available evidence is currently insufficient to determine the role of this variant in disease. Therefore, it has been classified as a Variant of Uncertain Significance.

Dubai Health Genomic Medicine Center, Dubai Health
Classification: Likely benign for Autosomal recessive nonsyndromic hearing loss 91. Last evaluated: 2020-02-25. Review status: criteria provided, single submitter. Criteria: ACMG Guidelines, 2015. Collection method: clinical testing. Allele origin: germline. Affected: yes.

GeneDx
Classification: Likely benign. Last evaluated: 2019-08-30. Review status: criteria provided, single submitter. Criteria: GeneDx Variant Classification Process June 2021. Collection method: clinical testing. Allele origin: germline. Affected: yes.

Laboratory for Molecular Medicine, Mass General Brigham Personalized Medicine
Classification: Likely benign. Last evaluated: 2013-08-29. Review status: criteria provided, single submitter. Criteria: LMM Criteria. Collection method: clinical testing. Allele origin: germline. Observed: 6 variant alleles.
Comment: c.430+3G>A in Intron 5 SERPINB6: This variant is not expected to have clinical s ignificance because splice prediction algorithms do not predict an impact to spl icing and the variant has been identified in 0.2% (29/16492) of South Asian chro mosomes by the Exome Aggregation Consortium (ExAC, g; dbSNP rs201080069).

PreventionGenetics, part of Exact Sciences
Classification: Likely benign. Review status: criteria provided, single submitter. Criteria: ACMG Guidelines, 2015. Collection method: clinical testing. Allele origin: germline.

Literature cited by the submitters: PubMed 17576681 (cited by Labcorp Genetics (formerly Invitae), Labcorp); PubMed 9536098 (cited by Labcorp Genetics (formerly Invitae), Labcorp).